The following is an entry in ClinVar:

NM_000264.5(PTCH1):c.4288A>G (p.Ile1430Val)

Gene: PTCH1 (patched 1; minus strand). Cytogenetic location: 9q22.32.
Variant type: single nucleotide variant.
Coding change: c.4288A>G on transcript NM_000264.5 (MANE Select); coding-DNA position 4288, A replaced by G.
Protein change: p.Ile1430Val; replaces isoleucine 1430 with valine.
Molecular consequence: missense variant. On other transcripts: non-coding transcript variant (1).
Genome position (GRCh38, 1-based): chr9:95,446,968, T>C on the plus strand (A>G on the coding strand, the complement: PTCH1 is on the minus strand). VCF-style: chr9-95446968-T-C. GRCh37 (hg19) VCF-style: chr9-98209250-T-C.
Other names: c.4090A>G, p.Ile1364Val (NM_001083602.3); c.4285A>G, p.Ile1429Val (NM_001083603.3); c.3835A>G, p.Ile1279Val (NM_001083604.3, NM_001083605.3, NM_001083606.3 and 1 more transcripts); c.4132A>G, p.Ile1378Val (NM_001354918.2); c.4288A>G (NM_000264.4); short protein forms I1364V, I1430V, I1279V, I1429V, I1378V.
Identifiers: ClinVar variation 647735 (VCV000647735.22), dbSNP rs1043260017, ClinGen allele CA196557368.

ClinVar aggregate classification (germline): Conflicting classifications of pathogenicity. Review status: criteria provided, conflicting classifications (1 of 4 stars). 4 submissions from 4 submitters: Uncertain significance (1); Likely benign (3). Last evaluated 2025-12-08.

Conditions:
Hereditary cancer-predisposing syndrome. Also called: Neoplastic Syndromes, Hereditary; Tumor predisposition; Hereditary neoplastic syndrome; Hereditary Cancer Syndrome. Identifiers: Orphanet 140162, MedGen C0027672, MeSH D009386, MONDO:0015356.
Gorlin syndrome. Also called: Basal cell nevus syndrome; Nevoid Basal Cell Carcinoma Syndrome. Identifiers: Orphanet 377, MedGen C0004779, MONDO:0007187.
PTCH1-related disorder. Also called: PTCH1-related disorders; PTCH1-related condition.

Allele frequency attached by ClinVar (database versions not stated): gnomAD exomes below 0.00001 and 0.00001; gnomAD 0.00001; TOPMed 0.00001.
gnomAD v4.1: 10 of 1,614,086 alleles (0.00062%); highest among the groups gnomAD compares: Admixed American, 0.0017%; no homozygotes.

Submissions (4):

Labcorp Genetics (formerly Invitae), Labcorp
Classification: Likely benign for Gorlin syndrome. Last evaluated: 2025-12-08. Review status: criteria provided, single submitter. Criteria: Invitae Variant Classification Sherloc (09022015). Collection method: clinical testing. Allele origin: germline.

PreventionGenetics, part of Exact Sciences
Classification: Likely benign for PTCH1-related condition. Last evaluated: 2024-11-01. Review status: criteria provided, single submitter. Criteria: ACMG Guidelines, 2015. Collection method: clinical testing. Allele origin: germline.
Comment: This variant is classified as likely benign based on ACMG/AMP sequence variant interpretation guidelines (Richards et al. 2015 PMID: 25741868, with internal and published modifications).

Quest Diagnostics Nichols Institute San Juan Capistrano
Classification: Uncertain significance. Last evaluated: 2024-04-14. Review status: criteria provided, single submitter. Criteria: Quest Diagnostics criteria. Collection method: clinical testing. Allele origin: unknown.
Comment: The PTCH1 c.4288A>G (p.Ile1430Val) variant has not been reported in individuals with PTCH1-related conditions in the published literature. The frequency of this variant in the general population, 0.000004 (1/251426 chromosomes (Genome Aggregation Database)), is uninformative in the assessment of its pathogenicity. Analysis of this variant using bioinformatics tools for the prediction of the effect of amino acid changes on protein structure and function yielded predictions that this variant is benign. Based on the available information, we are unable to determine the clinical significance of this variant.

Ambry Genetics
Classification: Likely benign for Hereditary cancer-predisposing syndrome. Last evaluated: 2019-04-16. Review status: criteria provided, single submitter. Criteria: Ambry Variant Classification Scheme 2023. Collection method: clinical testing. Allele origin: germline.